The following is an entry in ClinVar:

ClinVar aggregate classification (germline): Uncertain significance. Review status: criteria provided, multiple submitters, no conflicts (2 of 4 stars). 3 submissions from 3 submitters: Uncertain significance (3). Last evaluated 2025-10-23.

Conditions:
Inborn genetic diseases. Identifiers: MedGen C0950123, MeSH D030342.
Fanconi anemia (FA). Also called: Fanconi's anemia. Identifiers: Orphanet 84, MedGen C0015625, MeSH D005199, MONDO:0019391.
Spermatogenic failure 28. Identifiers: MedGen C4748117, MONDO:0054732, OMIM 618086.
Premature ovarian failure 15. Identifiers: MedGen C4748170, MONDO:0054862, OMIM 618096.

Submissions (3):

Labcorp Genetics (formerly Invitae), Labcorp
Classification: Uncertain significance for Fanconi anemia. Last evaluated: 2025-10-23. Review status: criteria provided, single submitter. Criteria: Invitae Variant Classification Sherloc (09022015). Collection method: clinical testing. Allele origin: germline.
Comment: This sequence change replaces lysine, which is basic and polar, with threonine, which is neutral and polar, at codon 1215 of the FANCM protein (p.Lys1215Thr). This variant is not present in population databases (gnomAD no frequency). This variant has not been reported in the literature in individuals affected with FANCM-related conditions. ClinVar contains an entry for this variant (Variation ID: 3576586). An algorithm developed to predict the effect of missense changes on protein structure and function (PolyPhen-2) suggests that this variant is likely to be disruptive. In summary, the available evidence is currently insufficient to determine the role of this variant in disease. Therefore, it has been classified as a Variant of Uncertain Significance.

Ambry Genetics
Classification: Uncertain significance for Inborn genetic diseases. Last evaluated: 2025-05-19. Review status: criteria provided, single submitter. Criteria: Ambry Variant Classification Scheme 2023. Collection method: clinical testing. Allele origin: germline.
Comment: The p.K1215T variant (also known as c.3644A>C), located in coding exon 14 of the FANCM gene, results from an A to C substitution at nucleotide position 3644. The lysine at codon 1215 is replaced by threonine, an amino acid with similar properties. This amino acid position is conserved. In addition, this alteration is predicted to be tolerated by in silico analysis. Based on the available evidence, the clinical significance of this variant remains unclear.

Fulgent Genetics
Classification: Uncertain significance for Spermatogenic failure 28; Premature ovarian failure 15. Last evaluated: 2024-02-01. Review status: criteria provided, single submitter. Criteria: ACMG Guidelines, 2015. Collection method: clinical testing. Allele origin: germline.

NM_020937.4(FANCM):c.3644A>C (p.Lys1215Thr)

Gene: FANCM (FA complementation group M; plus strand). Cytogenetic location: 14q21.2.
Variant type: single nucleotide variant.
Coding change: c.3644A>C on transcript NM_020937.4 (MANE Select); coding-DNA position 3644, A replaced by C.
Protein change: p.Lys1215Thr; replaces lysine 1215 with threonine.
Molecular consequence: missense variant.
Genome position (GRCh38, 1-based): chr14:45,176,398, A>C. VCF-style: chr14-45176398-A-C. GRCh37 (hg19) VCF-style: chr14-45645601-A-C.
Other names: c.3566A>C, p.Lys1189Thr (NM_001308133.2); short protein forms K1189T, K1215T.
Identifiers: ClinVar variation 3576586 (VCV003576586.3).